The following is an entry in ClinVar:

NM_018671.5(UNC45A):c.-88G>A

Genes: UNC45A (unc-45 myosin chaperone A; plus strand), LOC130057954 (ATAC-STARR-seq lymphoblastoid silent region 6833; plus strand). Cytogenetic location: 15q26.1.
Variant type: single nucleotide variant.
Coding change: c.-88G>A on transcript NM_018671.5 (MANE Select); 88 bases upstream of the start codon, G replaced by A.
Molecular consequence: genic upstream transcript variant. On other transcripts: 5 prime UTR variant (1), intron variant (1).
Genome position (GRCh38, 1-based): chr15:90,935,237, G>A. VCF-style: chr15-90935237-G-A. GRCh37 (hg19) VCF-style: chr15-91478467-G-A.
Other names: c.-88G>A (NM_001039675.2); c.-38-50G>A (NM_001323619.1).
Identifiers: ClinVar variation 4855507 (VCV004855507.1).

ClinVar aggregate classification (germline): Uncertain significance (1 of 4 stars; one submission).

Conditions:
UNC45A-related disorder. Also called: UNC45A-related condition.

gnomAD v4.1: 51 of 1,338,186 alleles (0.0038%); highest among the groups gnomAD compares: Non-Finnish European, 0.0051%; no homozygotes.

Submission:

3billion
Classification: Uncertain significance for UNC45A-related disorder. Last evaluated: 2026-01-05. Review status: criteria provided, single submitter. Criteria: ACMG Guidelines, 2015. Collection method: clinical testing. Allele origin: germline. Affected: yes.
Comment: The variant is observed at an extremely low frequency in the gnomAD v4.1.0 dataset (total allele frequency: 0.004%). Predicted Consequence/Location: Non coding variant The variant has been reported to be in trans with a pathogenic variant as either compound heterozygous or homozygous in at least one similarly affected unrelated individual (PMID: 39887522). The variant has been reported to be associated with UNC45A-related disorder (PMID: 39887522). However, the evidence of pathogenicity is insufficient at this time. Therefore, this variant is classified as VUS according to the recommendation of ACMG/AMP guideline.

Literature cited by the submitters: PubMed 39887522.